The following is an entry in ClinVar:

ClinVar aggregate classification (germline): Uncertain significance (1 of 4 stars; one submission).

Conditions:
Cockayne syndrome. Identifiers: Orphanet 191, MedGen C0009207, MONDO:0016006.
Fanconi anemia complementation group Q. Identifiers: Orphanet 84, MedGen C3808988, MONDO:0014108, OMIM 615272.
Xeroderma pigmentosum, group F (XPF). Also called: ERCC4-Related Xeroderma Pigmentosum; XERODERMA PIGMENTOSUM, TYPE F; Xeroderma pigmentosum, type 6; XERODERMA PIGMENTOSUM, COMPLEMENTATION GROUP F; XERODERMA PIGMENTOSUM VI; XP, GROUP F. Identifiers: MedGen C0268140, MONDO:0010215, OMIM 278760.

Allele frequency attached by ClinVar (database versions not stated): gnomAD exomes below 0.00001.
gnomAD v4.1: 1 of 1,614,218 alleles (0.000062%); highest among the groups gnomAD compares: East Asian, 0.0022%; no homozygotes.

Submission:

Labcorp Genetics (formerly Invitae), Labcorp
Classification: Uncertain significance for Fanconi anemia complementation group Q; Xeroderma pigmentosum, group F; Cockayne syndrome. Last evaluated: 2024-11-05. Review status: criteria provided, single submitter. Criteria: Invitae Variant Classification Sherloc (09022015). Collection method: clinical testing. Allele origin: germline.
Comment: This sequence change replaces threonine, which is neutral and polar, with asparagine, which is neutral and polar, at codon 710 of the ERCC4 protein (p.Thr710Asn). This variant is present in population databases (no rsID available, gnomAD 0.006%). This variant has not been reported in the literature in individuals affected with ERCC4-related conditions. ClinVar contains an entry for this variant (Variation ID: 1418437). Invitae Evidence Modeling of protein sequence and biophysical properties (such as structural, functional, and spatial information, amino acid conservation, physicochemical variation, residue mobility, and thermodynamic stability) indicates that this missense variant is expected to disrupt ERCC4 protein function with a positive predictive value of 80%. In summary, the available evidence is currently insufficient to determine the role of this variant in disease. Therefore, it has been classified as a Variant of Uncertain Significance.

NM_005236.3(ERCC4):c.2129C>A (p.Thr710Asn)

Gene: ERCC4 (ERCC excision repair 4, endonuclease catalytic subunit; plus strand). Cytogenetic location: 16p13.12.
Variant type: single nucleotide variant.
Coding change: c.2129C>A on transcript NM_005236.3 (MANE Select); coding-DNA position 2129, C replaced by A.
Protein change: p.Thr710Asn; replaces threonine 710 with asparagine.
Molecular consequence: missense variant.
Genome position (GRCh38, 1-based): chr16:13,947,725, C>A. VCF-style: chr16-13947725-C-A. GRCh37 (hg19) VCF-style: chr16-14041582-C-A.
Other names: short protein forms T710N.
Identifiers: ClinVar variation 1418437 (VCV001418437.8), dbSNP rs1442567731, ClinGen allele CA394822016.